The following is an entry in ClinVar:

ClinVar aggregate classification (germline): Uncertain significance (1 of 4 stars; one submission).

Conditions:
Early-infantile DEE. Also called: Ohtahara syndrome; Early infantile epileptic encephalopathy with suppression bursts; Early infantile epileptic encephalopathy. Identifiers: Orphanet 1934, MedGen C0393706, MONDO:0800491.

Submission:

Labcorp Genetics (formerly Invitae), Labcorp
Classification: Uncertain significance for Early-infantile DEE. Last evaluated: 2021-05-26. Review status: criteria provided, single submitter. Criteria: Invitae Variant Classification Sherloc (09022015). Collection method: clinical testing. Allele origin: germline.
Comment: In summary, the available evidence is currently insufficient to determine the role of this variant in disease. Therefore, it has been classified as a Variant of Uncertain Significance. Algorithms developed to predict the effect of missense changes on protein structure and function (SIFT, PolyPhen-2, Align-GVGD) all suggest that this variant is likely to be tolerated, but these predictions have not been confirmed by published functional studies and their clinical significance is uncertain. This variant has not been reported in the literature in individuals with SCN1A-related conditions. This variant is not present in population databases (ExAC no frequency). This sequence change replaces methionine with isoleucine at codon 1103 of the SCN1A protein (p.Met1103Ile). The methionine residue is highly conserved and there is a small physicochemical difference between methionine and isoleucine.

NM_001165963.4(SCN1A):c.3309G>A (p.Met1103Ile)

Genes: SCN1A (sodium voltage-gated channel alpha subunit 1; minus strand), LOC102724058 (uncharacterized LOC102724058; plus strand). Cytogenetic location: 2q24.3.
Variant type: single nucleotide variant.
Coding change: c.3309G>A on transcript NM_001165963.4 (MANE Select); coding-DNA position 3309, G replaced by A.
Protein change: p.Met1103Ile; replaces methionine 1103 with isoleucine.
Molecular consequence: missense variant. On other transcripts: non-coding transcript variant (2).
Genome position (GRCh38, 1-based): chr2:166,036,168, C>T on the plus strand (G>A on the coding strand, the complement: SCN1A is on the minus strand). VCF-style: chr2-166036168-C-T. GRCh37 (hg19) VCF-style: chr2-166892678-C-T.
Other names: c.3225G>A, p.Met1075Ile (NM_001165964.3, NM_001353957.2, NM_001353958.2); c.3309G>A, p.Met1103Ile (NM_001202435.3, NM_001353948.2); c.3276G>A, p.Met1092Ile (NM_001353949.2, NM_001353950.2, NM_001353951.2 and 2 more transcripts); c.3273G>A, p.Met1091Ile (NM_001353954.2, NM_001353955.2); c.3222G>A, p.Met1074Ile (NM_001353960.2); c.867G>A, p.Met289Ile (NM_001353961.2); short protein forms M1092I, M1075I, M1103I, M289I, M1074I, M1091I.
Identifiers: ClinVar variation 1420410 (VCV001420410.9), dbSNP rs2105794207, ClinGen allele CA349059335.